The following is an entry in ClinVar:

ClinVar aggregate classification (germline): Uncertain significance (1 of 4 stars; one submission).

Conditions:
Usher syndrome type 1F (USH1F). Also called: USHER SYNDROME, TYPE IF. Identifiers: Orphanet 231169, Orphanet 886, MedGen C1865885, MONDO:0011186, OMIM 602083.

Submission:

Broad Center for Mendelian Genomics, Broad Institute of MIT and Harvard
Classification: Uncertain significance for Usher syndrome type 1F. Last evaluated: 2025-06-06. Review status: criteria provided, single submitter. Criteria: ACMG/ClinGen CNV Guidelines, 2019. Collection method: curation. Allele origin: unknown. Inheritance: Autosomal recessive inheritance.
Comment: The deletion of exons 19-21 in PCDH15 was identified, in the compound heterozygous state with a likely pathogenic variant, in one individual with Type 1 Usher Syndrome (PMID: 34416374), and has been identified in 0.008% (1/12594) of Admixed American chromosomes by the Genome Aggregation Database (gnomAD). Although this variant has been seen in the general population in a heterozygous state, its frequency is low enough to be consistent with a recessive carrier frequency. This intragenic variant is not predicted to cause a frameshift, and is more likely to escape nonsense mediated decay (NMD) and result in a truncated protein. Loss of PCDH15 is an established disease mechanism with autosomal recessive Usher Syndrome. In summary, while there is some suspicion for a pathogenic role, the clinical significance of this variant is uncertain. The ACMG/ClinGen evidence codes and points used in this curation are as follows: 1A: 0 points, 2E: 0.30 points, 3A: 0 points, 4C: 0.30 points, 5G: 0.0 points; Total: 0.60 points; Riggs 2020 (PMID: 31690835).

Literature cited by the submitters: PubMed 34416374.

Single allele

Gene: PCDH15 (protocadherin related 15; minus strand). Cytogenetic location: 10q21.1.
Variant type: Deletion.
Identifiers: ClinVar variation 4056477 (VCV004056477.1).